The following is an entry in ClinVar:

NM_172364.5(CACNA2D4):c.3310-10G>A

Gene: CACNA2D4 (calcium voltage-gated channel auxiliary subunit alpha2delta 4; minus strand). Cytogenetic location: 12p13.33.
Variant type: single nucleotide variant.
Coding change: c.3310-10G>A on transcript NM_172364.5 (MANE Select); 10 bases into the intron before coding-DNA position 3310, G replaced by A.
Molecular consequence: intron variant.
Genome position (GRCh38, 1-based): chr12:1,793,769, C>T on the plus strand (G>A on the coding strand, the complement: CACNA2D4 is on the minus strand). VCF-style: chr12-1793769-C-T. GRCh37 (hg19) VCF-style: chr12-1902935-C-T.
Other names: c.3310-10G>A (NM_172364.4).
Identifiers: ClinVar variation 1666835 (VCV001666835.10), dbSNP rs2154444903, ClinGen allele CA2573147818.
Genomic context (GRCh38, chr12:1,793,769, plus strand): 5'-GGGCGGCGAGGCTGAGGTGTCCGAGGCGCCGCCGCAGTCCTGGGCATTCTCCTGCGAACG[C>T]AGAGCAGAGGTGACAGCGCGGCGCTCAGAGGAGGACCCTCAAAAAGGGAGGGGCTTCCAC-3'

ClinVar aggregate classification (germline): Likely benign. Review status: criteria provided, single submitter (1 of 4 stars). 2 submissions from 2 submitters: Likely benign (1). 1 of the submissions does not count toward it. Last evaluated 2021-04-13.

Conditions:
CACNA2D4-related disorder. Also called: CACNA2D4-related condition.

gnomAD v4.1: 2 of 1,611,442 alleles (0.00012%); highest among the groups gnomAD compares: African/African-American, 0.0013%; no homozygotes.

Submissions (2):

Labcorp Genetics (formerly Invitae), Labcorp
Classification: Likely benign. Last evaluated: 2021-04-13. Review status: criteria provided, single submitter. Criteria: Invitae Variant Classification Sherloc (09022015). Collection method: clinical testing. Allele origin: germline.

PreventionGenetics, part of Exact Sciences
Classification: Likely benign for CACNA2D4-related condition. Last evaluated: 2019-09-23. Review status: no assertion criteria provided. Collection method: clinical testing. Allele origin: germline. Not counted in ClinVar's aggregate classification.
Comment: This variant is classified as likely benign based on ACMG/AMP sequence variant interpretation guidelines (Richards et al. 2015 PMID: 25741868, with internal and published modifications).